The following is an entry in ClinVar:

ClinVar aggregate classification (germline): Uncertain significance (0 of 4 stars; one submission).

Submission:

Cytogenetics Laboratory, University of Washington
Classification: Uncertain significance. Last evaluated: 2015-04-03. Review status: no assertion criteria provided. Collection method: clinical testing. Allele origin: maternal. Affected: yes. Observed: 2 variant alleles.

Literature cited by the submitters: PubMed 23813913.

GRCh37/hg19 17p13.3(chr17:789447-969524)x3

Genes: ABR (ABR activator of RhoGEF and GTPase; minus strand), NXN (nucleoredoxin; minus strand), TIMM22 (translocase of inner mitochondrial membrane 22; plus strand). Cytogenetic location: 17p13.3.
Variant type: copy number gain.
Change: copy number 3 (three copies instead of two) of chr17:789,447-969,524 (180.1 kb, GRCh37 coordinates, 1-based), cytogenetic band 17p13.3.
Identifiers: ClinVar variation 202229 (VCV000202229.4).